The following is an entry in ClinVar:

ClinVar aggregate classification (germline): Benign (1 of 4 stars; one submission).

Conditions:
Leigh syndrome (NULS). Also called: Leigh's necrotizing encephalopathy; Leigh's disease; Leigh's syndrome; LEIGH SYNDROME, NUCLEAR; Leigh Syndrome (mtDNA deletion); Leigh Disease. Identifiers: Orphanet 506, MedGen C2931891, MONDO:0009723, OMIM 256000.

Submission:

Wong Mito Lab, Molecular and Human Genetics, Baylor College of Medicine
Classification: Benign for Leigh syndrome. Last evaluated: 2019-10-17. Review status: criteria provided, single submitter. Criteria: Modified ACMG Guidelines (Unpublished). Collection method: clinical testing. Allele origin: germline.
Comment: The NC_012920.1:m.13834A>G (YP_003024036.1:p.Thr500Ala) variant in MTND5 gene is interpretated to be a Benign variant based on the modified ACMG guidelines (unpublished). This variant meets the following evidence codes: BS1, BS2, BP4

NC_012920.1(MT-ND5):m.13834A>G

Gene: MT-ND5 (mitochondrially encoded NADH dehydrogenase 5; plus strand).
Variant type: single nucleotide variant.
Genome position: chrM-13834-A-G.
Identifiers: ClinVar variation 693619 (VCV000693619.1), dbSNP rs1556424337, ClinGen allele CA414819714.
Genomic context (GRCh38, chrMT:13,834, plus strand): 5'-ACAACAATCCCCCTCTACCTAAAACTCACAGCCCTCGCTGTCACTTTCCTAGGACTTCTA[A>G]CAGCCCTAGACCTCAACTACCTAACCAACAAACTTAAAATAAAATCCCCACTATGCACAT-3'